The following is an entry in ClinVar:

NM_001330574.2(ZNF711):c.97dup (p.Thr33fs)

Gene: ZNF711 (ZFX family zinc finger ZNF711; plus strand). Cytogenetic location: Xq21.1.
Variant type: Duplication.
Coding change: c.97dup on transcript NM_001330574.2 (MANE Select); coding-DNA position 97, one base duplicated (A; older notation c.97dupA).
Protein change: p.Thr33fs; shifts the reading frame from threonine 33.
Molecular consequence: frameshift variant.
Genome position (GRCh38, 1-based): chrX:85,255,276, A duplicated. VCF-style (leftmost placement, unchanged base first): chrX-85255275-T-TA. GRCh37 (hg19) VCF-style: chrX-84510281-T-TA.
Other names: c.97dupA (NM_021998.4); c.97dup, p.Thr33fs (NM_021998.5); short protein forms T33fs.
Identifiers: ClinVar variation 450911 (VCV000450911.5), dbSNP rs1555970404, ClinGen allele CA658659022.
Genomic context (GRCh38, chrX:85,255,275, plus strand): 5'-AATAAAATAACTTTACCTTTTTTGGATAATTGTTTGTATTATAGTGGCTGGAATGGCTGG[T>TA]ACTGCACATATCGATGGAGACCATATTGTTGTTTCAGTTCCTGAAGCTGTTTTAGTTTCT-3'

ClinVar aggregate classification (germline): Pathogenic/Likely pathogenic. Review status: criteria provided, multiple submitters, no conflicts (2 of 4 stars). 2 submissions from 2 submitters: Pathogenic (1); Likely pathogenic (1). Last evaluated 2019-09-24.

Conditions:
Intellectual developmental disorder, X-linked 97. Also called: Intellectual disability, X-linked 97. Identifiers: Orphanet 777, MedGen C2749020, MONDO:0010430, OMIM 300803.

Submissions (2):

GeneDx
Classification: Pathogenic. Last evaluated: 2019-09-24. Review status: criteria provided, single submitter. Criteria: GeneDx Variant Classification Process June 2021. Collection method: clinical testing. Allele origin: germline. Affected: yes.
Comment: Not observed in large population cohorts (Lek et al., 2016); Frameshift variant predicted to result in protein truncation or nonsense mediated decay in a gene for which loss-of-function is not a known mechanism of disease; Has not been previously published as pathogenic or benign to our knowledge

Geisinger Autism and Developmental Medicine Institute, Geisinger Health System
Classification: Likely pathogenic for Intellectual developmental disorder, X-linked 97. Last evaluated: 2017-09-25. Review status: criteria provided, single submitter. Criteria: ACMG Guidelines, 2015. Collection method: provider interpretation, clinical testing. Allele origin: de novo. Affected: yes. Observed: 1 variant allele.
Comment: Pathogenic variants in this gene, including truncating variants, are associated with mild to moderate intellectual disability. Mild dysmorphic features and obesity have been reported in other individuals with pathogenic variants in this gene. The variant is absent from population databases and has not been reported previously in affected individuals, to our knowledge. This variant causes a frameshift and is predicted to cause loss of normal protein function.

Literature cited by the submitters: PubMed 19377476 (cited by Geisinger Autism and Developmental Medicine Institute, Geisinger Health System); PubMed 27993705 (cited by Geisinger Autism and Developmental Medicine Institute, Geisinger Health System).